The following is an entry in ClinVar:

NM_213720.3(CHCHD10):c.41+8G>T

Gene: CHCHD10 (coiled-coil-helix-coiled-coil-helix domain containing 10; minus strand). Cytogenetic location: 22q11.23.
Variant type: single nucleotide variant.
Coding change: c.41+8G>T on transcript NM_213720.3 (MANE Select); 8 bases into the intron after coding-DNA position 41, G replaced by T.
Molecular consequence: intron variant.
Genome position (GRCh38, 1-based): chr22:23,767,826, C>A on the plus strand (G>T on the coding strand, the complement: CHCHD10 is on the minus strand). VCF-style: chr22-23767826-C-A. GRCh37 (hg19) VCF-style: chr22-24110013-C-A.
Other names: c.41+8G>T (NM_001301339.2).
Identifiers: ClinVar variation 3756944 (VCV003756944.2).

ClinVar aggregate classification (germline): Uncertain significance (1 of 4 stars; one submission).

Conditions:
Lower motor neuron syndrome with late-adult onset (SMAJ). Also called: Late-Onset Spinal Motor Neuronopathy (SMAJ); Spinal muscular atrophy, Jokela type. Identifiers: Orphanet 276435, MedGen C3554398, MONDO:0014025, OMIM 615048.
Autosomal dominant mitochondrial myopathy with exercise intolerance (IMMD). Also called: Myopathy, isolated mitochondrial, autosomal dominant. Identifiers: Orphanet 457050, MedGen C4015513, MONDO:0014532, OMIM 616209.
Frontotemporal dementia and/or amyotrophic lateral sclerosis 2. Also called: FTDALS2. Identifiers: Orphanet 275872, MedGen C4014648, MONDO:0014395, OMIM 615911.

gnomAD v4.1: 1 of 1,541,786 alleles (0.000065%); highest among the groups gnomAD compares: Non-Finnish European, 0.000087%; no homozygotes.

Submission:

Labcorp Genetics (formerly Invitae), Labcorp
Classification: Uncertain significance for Lower motor neuron syndrome with late-adult onset; Frontotemporal dementia and/or amyotrophic lateral sclerosis 2; Autosomal dominant mitochondrial myopathy with exercise intolerance. Last evaluated: 2024-10-01. Review status: criteria provided, single submitter. Criteria: Invitae Variant Classification Sherloc (09022015). Collection method: clinical testing. Allele origin: germline.
Comment: This sequence change falls in intron 1 of the CHCHD10 gene. It does not directly change the encoded amino acid sequence of the CHCHD10 protein. This variant is not present in population databases (gnomAD no frequency). This variant has not been reported in the literature in individuals affected with CHCHD10-related conditions. Algorithms developed to predict the effect of sequence changes on RNA splicing suggest that this variant may create or strengthen a splice site. In summary, the available evidence is currently insufficient to determine the role of this variant in disease. Therefore, it has been classified as a Variant of Uncertain Significance.